The following is an entry in ClinVar:

NM_001042492.3(NF1):c.6738_6741del (p.Arg2247fs)

Gene: NF1 (neurofibromin 1; plus strand). Cytogenetic location: 17q11.2.
Variant type: Deletion.
Coding change: c.6738_6741del on transcript NM_001042492.3 (MANE Select); coding-DNA positions 6738 to 6741, 4 bases deleted (AAGA; older notation c.6738_6741delAAGA).
Protein change: p.Arg2247fs; shifts the reading frame from arginine 2247.
Molecular consequence: frameshift variant.
Genome position (GRCh38, 1-based): chr17:31,338,058-31,338,061, AAGA deleted. VCF-style (leftmost placement, unchanged base first): chr17-31338057-CAAGA-C. GRCh37 (hg19) VCF-style: chr17-29665075-CAAGA-C.
Other names: c.6675_6678delAAGA, p.Arg2226Leufs (NM_000267.4); short protein forms R2247fs, R2226fs.
Identifiers: ClinVar variation 3729473 (VCV003729473.2).

ClinVar aggregate classification (germline): Pathogenic (1 of 4 stars; one submission).

Conditions:
Neurofibromatosis, type 1 (NF1). Also called: NEUROFIBROMATOSIS, TYPE I, SOMATIC; Peripheral type neurofibromatosis; Neurofibromatosis, type I; VON RECKLINGHAUSEN DISEASE. Identifiers: Orphanet 636, MedGen C0027831, MONDO:0018975, OMIM 162200. Disease mechanism: loss of function.

Submission:

Labcorp Genetics (formerly Invitae), Labcorp
Classification: Pathogenic for Neurofibromatosis, type 1. Last evaluated: 2025-01-23. Review status: criteria provided, single submitter. Criteria: Invitae Variant Classification Sherloc (09022015). Collection method: clinical testing. Allele origin: germline.
Comment: This sequence change creates a premature translational stop signal (p.Arg2226Leufs*17) in the NF1 gene. It is expected to result in an absent or disrupted protein product. Loss-of-function variants in NF1 are known to be pathogenic (PMID: 10712197, 23913538). This variant is not present in population databases (gnomAD no frequency). This variant has not been reported in the literature in individuals affected with NF1-related conditions. Algorithms developed to predict the effect of sequence changes on RNA splicing suggest that this variant may disrupt the consensus splice site. For these reasons, this variant has been classified as Pathogenic.

Literature cited by the submitters: PubMed 10712197; PubMed 23913538.